The following is an entry in ClinVar:

ClinVar aggregate classification (germline): Uncertain significance (1 of 4 stars; one submission).

Allele frequency attached by ClinVar (database versions not stated): gnomAD exomes below 0.00001; TOPMed 0.00001; gnomAD 0.00002; 1000 Genomes Project 30x 0.00016; 1000 Genomes Project 0.00020.
gnomAD v4.1: 9 of 1,603,504 alleles (0.00056%); highest among the groups gnomAD compares: African/African-American, 0.0067%; no homozygotes.

Submission:

Labcorp Genetics (formerly Invitae), Labcorp
Classification: Uncertain significance. Last evaluated: 2022-12-14. Review status: criteria provided, single submitter. Criteria: Invitae Variant Classification Sherloc (09022015). Collection method: clinical testing. Allele origin: germline.
Comment: This sequence change replaces alanine, which is neutral and non-polar, with threonine, which is neutral and polar, at codon 201 of the ACAN protein (p.Ala201Thr). The frequency data for this variant in the population databases is considered unreliable, as metrics indicate poor data quality at this position in the gnomAD database. This variant has not been reported in the literature in individuals affected with ACAN-related conditions. Advanced modeling of protein sequence and biophysical properties (such as structural, functional, and spatial information, amino acid conservation, physicochemical variation, residue mobility, and thermodynamic stability) performed at Invitae indicates that this missense variant is not expected to disrupt ACAN protein function. In summary, the available evidence is currently insufficient to determine the role of this variant in disease. Therefore, it has been classified as a Variant of Uncertain Significance.

NM_001369268.1(ACAN):c.601G>A (p.Ala201Thr)

Gene: ACAN (aggrecan; plus strand). Cytogenetic location: 15q26.1.
Variant type: single nucleotide variant.
Coding change: c.601G>A on transcript NM_001369268.1 (MANE Select); coding-DNA position 601, G replaced by A.
Protein change: p.Ala201Thr; replaces alanine 201 with threonine.
Molecular consequence: missense variant.
Genome position (GRCh38, 1-based): chr15:88,840,158, G>A. VCF-style: chr15-88840158-G-A. GRCh37 (hg19) VCF-style: chr15-89383389-G-A.
Other names: c.601G>A, p.Ala201Thr (NM_001135.4, NM_001411096.1, NM_001411097.1 and 1 more transcripts); short protein forms A201T.
Identifiers: ClinVar variation 2891625 (VCV002891625.3), dbSNP rs568955745, ClinGen allele CA7719277.